The following is an entry in ClinVar:

ClinVar aggregate classification (germline): Pathogenic. Review status: criteria provided, multiple submitters, no conflicts (2 of 4 stars). 6 submissions from 6 submitters: Pathogenic (5). 1 of the submissions does not count toward it. Last evaluated 2026-07-27.

Conditions:
Hereditary cancer-predisposing syndrome. Also called: Neoplastic Syndromes, Hereditary; Hereditary neoplastic syndrome; Hereditary Cancer Syndrome; Tumor predisposition. Identifiers: Orphanet 140162, MedGen C0027672, MeSH D009386, MONDO:0015356.
Tuberous sclerosis syndrome (TSC). Also called: Tuberous Sclerosis Complex; Tuberous sclerosis. Identifiers: Orphanet 805, MedGen C0041341, MONDO:0001734.
Tuberous sclerosis 1 (TSC1). Identifiers: Orphanet 805, MedGen C1854465, MONDO:0008612, OMIM 191100.

Submissions (6):

Ambry Genetics
Classification: Pathogenic for Hereditary cancer-predisposing syndrome. Last evaluated: 2026-07-27. Review status: criteria provided, single submitter. Criteria: Ambry Variant Classification Scheme 2023. Collection method: clinical testing. Allele origin: germline.
Comment: The c.648delT pathogenic mutation, located in coding exon 5 of the TSC1 gene, results from a deletion of one nucleotide at nucleotide position 648, causing a translational frameshift with a predicted alternate stop codon (p.F216Lfs*8). This variant was reported in individual(s) with features consistent with tuberous sclerosis complex (TSC) (Togi S et al. Int J Mol Sci, 2022 Sep;23:). This variant is considered to be rare based on population cohorts in the Genome Aggregation Database (gnomAD). This alteration is expected to result in loss of function by premature protein truncation or nonsense-mediated mRNA decay. As such, this alteration is interpreted as a disease-causing mutation.

Genome-Nilou Lab
Classification: Pathogenic for Tuberous sclerosis 1. Last evaluated: 2021-11-07. Review status: criteria provided, single submitter. Criteria: ACMG Guidelines, 2015. Collection method: clinical testing. Allele origin: germline. Affected: no.

Division of Genomic Medicine, Department of Advanced Medicine, Medical Research Institute, Kanazawa Medical University
Classification: Pathogenic for Tuberous sclerosis 1. Last evaluated: 2020-07-10. Review status: criteria provided, single submitter. Criteria: ACMG Guidelines, 2015. Collection method: clinical testing. Allele origin: germline. Affected: yes. Observed: 1 variant allele.

Labcorp Genetics (formerly Invitae), Labcorp
Classification: Pathogenic for Tuberous sclerosis 1. Last evaluated: 2019-05-05. Review status: criteria provided, single submitter. Criteria: Invitae Variant Classification Sherloc (09022015). Collection method: clinical testing. Allele origin: germline.
Comment: For these reasons, this variant has been classified as Pathogenic. Loss-of-function variants in TSC1 are known to be pathogenic (PMID: 10227394, 17304050). This variant has been observed in an individual affected with tuberous sclerosis complex (PMID: 23389244). ClinVar contains an entry for this variant (Variation ID: 64785). This variant is not present in population databases (ExAC no frequency). This sequence change creates a premature translational stop signal (p.Phe216Leufs*8) in the TSC1 gene. It is expected to result in an absent or disrupted protein product.

Oasi Research Institute-IRCCS
Classification: Pathogenic for Tuberous sclerosis 1. Review status: criteria provided, single submitter. Criteria: ACMG Guidelines, 2015. Collection method: research. Allele origin: de novo. Affected: yes.
Comment: The genomic variant c.648delT is a single nucleotide deletion.This variant creates a premature translational stop signal and is expected to result in a protein truncation or nonsense-mediated decay. ACMG criteria: PVS1 (LOF), PP4 (phenotype match), PM2 (absent from controls), PP3 (in silico evidence), PS2 (de novo)= Pathogenic. Based on the evidence outlined above, the variant was classified as Pathogenic.

Tuberous sclerosis database (TSC1)
No classification provided. Condition: TSC. Review status: no classification provided. Criteria: Tuberous Sclerosis Database Assertion Criteria 2015. Collection method: curation. Allele origin: germline. Affected: yes. Not counted in ClinVar's aggregate classification.

Literature cited by the submitters: PubMed 36232477 (cited by Ambry Genetics); PubMed 10227394 (cited by Labcorp Genetics (formerly Invitae), Labcorp); PubMed 17304050 (cited by Labcorp Genetics (formerly Invitae), Labcorp); PubMed 23389244 (cited by Labcorp Genetics (formerly Invitae), Labcorp).

NM_000368.5(TSC1):c.648del (p.Phe216fs)

Gene: TSC1 (TSC complex subunit 1; minus strand). Cytogenetic location: 9q34.13.
Variant type: Deletion.
Coding change: c.648del on transcript NM_000368.5 (MANE Select); coding-DNA position 648, one base deleted (T; older notation c.648delT).
Protein change: p.Phe216fs; shifts the reading frame from phenylalanine 216.
Molecular consequence: frameshift variant.
Genome position (GRCh38, 1-based): chr9:132,921,834, A deleted on the plus strand (T on the coding strand, the reverse complement: TSC1 is on the minus strand); the first of 4 consecutive A bases (chr9:132,921,834-132,921,837); deleting any one gives the same sequence. VCF-style (leftmost placement, unchanged base first): chr9-132921833-CA-C. GRCh37 (hg19) VCF-style: chr9-135797220-CA-C.
Other names: c.285del, p.Phe95fs (NM_001362177.2); c.648del, p.Phe216fs (NM_001162426.2); c.495del, p.Phe165fs (NM_001162427.2); c.648delT (NM_000368.4, NM_000368.5); short protein forms F216fs, F95fs, F165fs.
Identifiers: ClinVar variation 64785 (VCV000064785.13), dbSNP rs118203417, ClinGen allele CA007941.